The following is an entry in ClinVar:

NM_001037.5(SCN1B):c.151G>A (p.Ala51Thr)

Gene: SCN1B (sodium voltage-gated channel beta subunit 1; plus strand). Cytogenetic location: 19q13.11.
Variant type: single nucleotide variant.
Coding change: c.151G>A on transcript NM_001037.5 (MANE Select); coding-DNA position 151, G replaced by A.
Protein change: p.Ala51Thr; replaces alanine 51 with threonine.
Molecular consequence: missense variant.
Genome position (GRCh38, 1-based): chr19:35,032,638, G>A. VCF-style: chr19-35032638-G-A. GRCh37 (hg19) VCF-style: chr19-35523542-G-A.
Other names: c.52G>A, p.Ala18Thr (NM_001321605.2); c.151G>A, p.Ala51Thr (NM_199037.5); short protein forms A51T, A18T.
Identifiers: ClinVar variation 1774393 (VCV001774393.2), dbSNP rs748788661, ClinGen allele CA9371965.
Genomic context (GRCh38, chr19:35,032,638, plus strand): 5'-GTGTATGGGATGACCTTCAAAATTCTTTGCATCTCCTGCAAGCGCCGCAGCGAGACCAAC[G>A]CTGAGACCTTCACCGAGTGGACCTTCCGCCAGAAGGGCACTGAGGAGTTTGTCAAGGTGT-3'
Protein context (NP_001028.1, residues 41-61): ISCKRRSETN[Ala51Thr]ETFTEWTFRQ

ClinVar aggregate classification (germline): Uncertain significance (1 of 4 stars; one submission).

Conditions:
Cardiovascular phenotype. Identifiers: MedGen CN230736.

Allele frequency attached by ClinVar (database versions not stated): gnomAD exomes below 0.00001; TOPMed below 0.00001; ExAC 0.00001; gnomAD 0.00001.

Submission:

Ambry Genetics
Classification: Uncertain significance for Cardiovascular phenotype. Last evaluated: 2019-07-18. Review status: criteria provided, single submitter. Criteria: Ambry Variant Classification Scheme 2023. Collection method: clinical testing. Allele origin: germline.
Comment: The p.A51T variant (also known as c.151G>A), located in coding exon 2 of the SCN1B gene, results from a G to A substitution at nucleotide position 151. The alanine at codon 51 is replaced by threonine, an amino acid with similar properties. This variant was reported as paternally inherited in an individual with epilepsy, who also had a de novo SCN1A variant detected (Della Mina E et al. Eur. J. Hum. Genet., 2015 Mar;23:354-62). This amino acid position is well conserved in available vertebrate species. In addition, this alteration is predicted to be tolerated by in silico analysis. Since supporting evidence is limited at this time, the clinical significance of this alteration remains unclear.

Literature cited by the submitters: PubMed 24848745.